The following is an entry in ClinVar:

NM_003072.5(SMARCA4):c.1041G>C (p.Gln347His)

Gene: SMARCA4 (SWI/SNF related BAF chromatin remodeling complex subunit ATPase 4; plus strand). Cytogenetic location: 19p13.2.
Variant type: single nucleotide variant.
Coding change: c.1041G>C on transcript NM_003072.5 (MANE Select); coding-DNA position 1041, G replaced by C.
Protein change: p.Gln347His; replaces glutamine 347 with histidine.
Molecular consequence: missense variant. On other transcripts: non-coding transcript variant (1).
Genome position (GRCh38, 1-based): chr19:10,987,847, G>C. VCF-style: chr19-10987847-G-C. GRCh37 (hg19) VCF-style: chr19-11098523-G-C.
Other names: c.1041G>C, p.Gln347His (NM_001128844.3, NM_001128845.2, NM_001128846.2 and 4 more transcripts); short protein forms Q347H.
Identifiers: ClinVar variation 818304 (VCV000818304.7), dbSNP rs773687860, ClinGen allele CA305287583.

ClinVar aggregate classification (germline): Uncertain significance. Review status: criteria provided, multiple submitters, no conflicts (2 of 4 stars). 2 submissions from 2 submitters: Uncertain significance (2). Last evaluated 2024-04-17.

Conditions:
Hereditary cancer-predisposing syndrome. Also called: Tumor predisposition; Hereditary neoplastic syndrome; Neoplastic Syndromes, Hereditary; Hereditary Cancer Syndrome. Identifiers: Orphanet 140162, MedGen C0027672, MeSH D009386, MONDO:0015356.
Rhabdoid tumor predisposition syndrome 2 (RTPS2). Identifiers: Orphanet 231108, Orphanet 69077, MedGen C2750074, MONDO:0013224, OMIM 613325.

gnomAD v4.1: 49 of 1,611,998 alleles (0.003%); highest among the groups gnomAD compares: Non-Finnish European, 0.0042%; no homozygotes.

Submissions (2):

Labcorp Genetics (formerly Invitae), Labcorp
Classification: Uncertain significance for Rhabdoid tumor predisposition syndrome 2. Last evaluated: 2024-04-17. Review status: criteria provided, single submitter. Criteria: Invitae Variant Classification Sherloc (09022015). Collection method: clinical testing. Allele origin: germline.
Comment: This sequence change replaces glutamine, which is neutral and polar, with histidine, which is basic and polar, at codon 347 of the SMARCA4 protein (p.Gln347His). This variant is not present in population databases (gnomAD no frequency). This variant has not been reported in the literature in individuals affected with SMARCA4-related conditions. ClinVar contains an entry for this variant (Variation ID: 818304). Advanced modeling of protein sequence and biophysical properties (such as structural, functional, and spatial information, amino acid conservation, physicochemical variation, residue mobility, and thermodynamic stability) performed at Invitae indicates that this missense variant is not expected to disrupt SMARCA4 protein function with a negative predictive value of 95%. In summary, the available evidence is currently insufficient to determine the role of this variant in disease. Therefore, it has been classified as a Variant of Uncertain Significance.

Ambry Genetics
Classification: Uncertain significance for Hereditary cancer-predisposing syndrome. Last evaluated: 2023-05-31. Review status: criteria provided, single submitter. Criteria: Ambry Variant Classification Scheme 2023. Collection method: clinical testing. Allele origin: germline.
Comment: The p.Q347H variant (also known as c.1041G>C), located in coding exon 5 of the SMARCA4 gene, results from a G to C substitution at nucleotide position 1041. The glutamine at codon 347 is replaced by histidine, an amino acid with highly similar properties. This amino acid position is well conserved in available vertebrate species. In addition, this alteration is predicted to be tolerated by in silico analysis. Missense and in-frame variants in SMARCA4 are known to cause neurodevelopmental disorders; however, such associations with rhabdoid tumor predisposition syndrome including small cell carcinoma of the ovary-hypercalcemic type (SCCOHT) are exceedingly rare (Kosho T et al. Am J Med Genet C Semin Med Genet. 2014 Sep;166C(3):262-75; Jelinic P et al. Nat Genet. 2014 May;46(5):424-6). Based on the supporting evidence, the association of this alteration with Coffin-Siris syndrome is unknown; however, the association of this alteration with rhabdoid tumor predisposition syndrome is unlikely.